The following is an entry in ClinVar:

ClinVar aggregate classification (germline): Uncertain significance (1 of 4 stars; one submission).

Submission:

Labcorp Genetics (formerly Invitae), Labcorp
Classification: Uncertain significance. Last evaluated: 2020-06-04. Review status: criteria provided, single submitter. Criteria: Invitae Variant Classification Sherloc (09022015). Collection method: clinical testing. Allele origin: germline.
Comment: This sequence change affects the initiator methionine of the ABRAXAS1 mRNA. The next in-frame methionine is located at codon 50. This variant is not present in population databases (ExAC no frequency). This variant has not been reported in the literature in individuals with ABRAXAS1-related conditions. In summary, the available evidence is currently insufficient to determine the role of this variant in disease. Therefore, it has been classified as a Variant of Uncertain Significance.

NM_139076.3(ABRAXAS1):c.2T>G (p.Met1Arg)

Genes: ABRAXAS1 (abraxas 1, BRCA1 A complex subunit; minus strand), LOC129992784 (ATAC-STARR-seq lymphoblastoid silent region 15542; plus strand). Cytogenetic location: 4q21.23.
Variant type: single nucleotide variant.
Coding change: c.2T>G on transcript NM_139076.3 (MANE Select); coding-DNA position 2, T replaced by G.
Protein change: p.Met1Arg; changes the start codon (methionine 1).
Molecular consequence: missense variant, initiator codon variant. On other transcripts: 5 prime UTR variant (1).
Genome position (GRCh38, 1-based): chr4:83,485,071, A>C on the plus strand (T>G on the coding strand, the complement: ABRAXAS1 is on the minus strand). VCF-style: chr4-83485071-A-C. GRCh37 (hg19) VCF-style: chr4-84406224-A-C.
Other names: c.-259T>G (NM_001345962.2); short protein forms M1R.
Identifiers: ClinVar variation 1041840 (VCV001041840.9), dbSNP rs771491899, ClinGen allele CA357264140.